The following is an entry in ClinVar:

NM_000388.4(CASR):c.2695T>C (p.Ser899Pro)

Gene: CASR (calcium sensing receptor; plus strand). Cytogenetic location: 3q21.1.
Variant type: single nucleotide variant.
Coding change: c.2695T>C on transcript NM_000388.4 (MANE Select); coding-DNA position 2695, T replaced by C.
Protein change: p.Ser899Pro; replaces serine 899 with proline.
Molecular consequence: missense variant.
Genome position (GRCh38, 1-based): chr3:122,284,649, T>C. VCF-style: chr3-122284649-T-C. GRCh37 (hg19) VCF-style: chr3-122003496-T-C.
Other names: c.2725T>C, p.Ser909Pro (NM_001178065.2); short protein forms S899P, S909P.
Identifiers: ClinVar variation 644476 (VCV000644476.15), dbSNP rs201919386, ClinGen allele CA2569850.
Genomic context (GRCh38, chr3:122,284,649, plus strand): 5'-CACGCTTTCAAGGTGGCTGCCCGGGCCACGCTGCGCCGCAGCAACGTCTCCCGCAAGCGG[T>C]CCAGCAGCCTTGGAGGCTCCACGGGATCCACCCCCTCCTCCTCCATCAGCAGCAAGAGCA-3'
Protein context (NP_000379.3, residues 889-909): LRRSNVSRKR[Ser899Pro]SSLGGSTGST

ClinVar aggregate classification (germline): Uncertain significance. Review status: criteria provided, multiple submitters, no conflicts (2 of 4 stars). 3 submissions from 3 submitters: Uncertain significance (3). Last evaluated 2025-07-31.

Conditions:
Autosomal dominant hypocalcemia 1 (HYPOC1). Also called: HYPOCALCEMIA, FAMILIAL. Identifiers: MedGen C3715128, MONDO:0011013, OMIM 601198.
Familial hypocalciuric hypercalcemia (FHH). Also called: Familial benign hypercalcemia. Identifiers: Orphanet 405, MedGen C1809471, MONDO:0018458.
Nephrolithiasis/nephrocalcinosis. Identifiers: MedGen CN580796.

Allele frequency attached by ClinVar (database versions not stated): gnomAD exomes below 0.00001; TOPMed below 0.00001; ExAC 0.00001; gnomAD 0.00001.
gnomAD v4.1: 3 of 1,613,726 alleles (0.00019%); highest among the groups gnomAD compares: Non-Finnish European, 0.00025%; no homozygotes.

Submissions (3):

Labcorp Genetics (formerly Invitae), Labcorp
Classification: Uncertain significance for Familial hypocalciuric hypercalcemia; Autosomal dominant hypocalcemia 1. Last evaluated: 2025-07-31. Review status: criteria provided, single submitter. Criteria: Invitae Variant Classification Sherloc (09022015). Collection method: clinical testing. Allele origin: germline.
Comment: This sequence change replaces serine, which is neutral and polar, with proline, which is neutral and non-polar, at codon 899 of the CASR protein (p.Ser899Pro). This variant is present in population databases (rs201919386, gnomAD 0.0009%). This variant has not been reported in the literature in individuals affected with CASR-related conditions. ClinVar contains an entry for this variant (Variation ID: 644476). An algorithm developed to predict the effect of missense changes on protein structure and function (PolyPhen-2) suggests that this variant is likely to be tolerated. In summary, the available evidence is currently insufficient to determine the role of this variant in disease. Therefore, it has been classified as a Variant of Uncertain Significance.

Blueprint Genetics
Classification: Uncertain significance. Last evaluated: 2024-07-10. Review status: criteria provided, single submitter. Criteria: ACMG Guidelines, 2015. Collection method: clinical testing. Allele origin: germline.

Ambry Genetics
Classification: Uncertain significance for Nephrolithiasis/nephrocalcinosis. Last evaluated: 2022-12-07. Review status: criteria provided, single submitter. Criteria: Ambry Variant Classification Scheme 2023. Collection method: clinical testing. Allele origin: germline.
Comment: The p.S899P variant (also known as c.2695T>C), located in coding exon 6 of the CASR gene, results from a T to C substitution at nucleotide position 2695. The serine at codon 899 is replaced by proline, an amino acid with similar properties. This amino acid position is well conserved in available vertebrate species. In addition, the in silico prediction for this alteration is inconclusive. Since supporting evidence is limited at this time, the clinical significance of this alteration remains unclear.